The following is an entry in ClinVar:

ClinVar aggregate classification (germline): Uncertain significance. Review status: criteria provided, multiple submitters, no conflicts (2 of 4 stars). 4 submissions from 4 submitters: Uncertain significance (4). Last evaluated 2026-06-05.

Conditions:
GUCY2D-related disorder. Also called: GUCY2D-related condition.
Cone-rod dystrophy 6 (CORD6). Also called: RETINAL CONE DYSTROPHY 2; Cone dystrophy progressive. Identifiers: Orphanet 1872, MedGen C1866293, MONDO:0011143, OMIM 601777.
Leber congenital amaurosis 1 (LCA1). Also called: Congenital absence of the rods and cones; Leber's congenital tapetoretinal degeneration; Leber's congenital tapetoretinal dysplasia; RETINAL BLINDNESS, CONGENITAL; AMAUROSIS CONGENITA OF LEBER I. Identifiers: Orphanet 65, MedGen C2931258, MONDO:0008764, OMIM 204000.
Inborn genetic diseases. Identifiers: MedGen C0950123, MeSH D030342.

Allele frequency attached by ClinVar (database versions not stated): ExAC 0.00006.
gnomAD v4.1: 267 of 1,613,278 alleles (0.017%); highest among the groups gnomAD compares: Non-Finnish European, 0.022%; no homozygotes.

Submissions (4):

PreventionGenetics, part of Exact Sciences
Classification: Uncertain significance for GUCY2D-related condition. Last evaluated: 2026-06-05. Review status: criteria provided, single submitter. Criteria: ACMG Guidelines, 2015. Collection method: clinical testing. Allele origin: germline.
Comment: The GUCY2D c.1489G>T variant is predicted to result in the amino acid substitution p.Val497Phe. To our knowledge, this variant has not been reported in the literature. This variant is reported in 0.016% of alleles in individuals of African descent in gnomAD. At this time, the clinical significance of this variant is uncertain due to the absence of conclusive functional and genetic evidence.

Labcorp Genetics (formerly Invitae), Labcorp
Classification: Uncertain significance for Leber congenital amaurosis 1; Cone-rod dystrophy 6. Last evaluated: 2025-04-14. Review status: criteria provided, single submitter. Criteria: Invitae Variant Classification Sherloc (09022015). Collection method: clinical testing. Allele origin: germline.
Comment: This sequence change replaces valine, which is neutral and non-polar, with phenylalanine, which is neutral and non-polar, at codon 497 of the GUCY2D protein (p.Val497Phe). This variant is present in population databases (rs767360120, gnomAD 0.02%). This variant has not been reported in the literature in individuals affected with GUCY2D-related conditions. ClinVar contains an entry for this variant (Variation ID: 1393234). Invitae Evidence Modeling of protein sequence and biophysical properties (such as structural, functional, and spatial information, amino acid conservation, physicochemical variation, residue mobility, and thermodynamic stability) indicates that this missense variant is not expected to disrupt GUCY2D protein function with a negative predictive value of 80%. In summary, the available evidence is currently insufficient to determine the role of this variant in disease. Therefore, it has been classified as a Variant of Uncertain Significance.

Ambry Genetics
Classification: Uncertain significance for Inborn genetic diseases. Last evaluated: 2025-04-11. Review status: criteria provided, single submitter. Criteria: Ambry Variant Classification Scheme 2023. Collection method: clinical testing. Allele origin: germline.

Blueprint Genetics
Classification: Uncertain significance. Last evaluated: 2024-09-10. Review status: criteria provided, single submitter. Criteria: ACMG Guidelines, 2015. Collection method: clinical testing. Allele origin: germline.

NM_000180.4(GUCY2D):c.1489G>T (p.Val497Phe)

Gene: GUCY2D (guanylate cyclase 2D, retinal; plus strand). Cytogenetic location: 17p13.1.
Variant type: single nucleotide variant.
Coding change: c.1489G>T on transcript NM_000180.4 (MANE Select); coding-DNA position 1489, G replaced by T.
Protein change: p.Val497Phe; replaces valine 497 with phenylalanine.
Molecular consequence: missense variant.
Genome position (GRCh38, 1-based): chr17:8,007,451, G>T. VCF-style: chr17-8007451-G-T. GRCh37 (hg19) VCF-style: chr17-7910769-G-T.
Other names: c.1489G>T (NM_000180.3); short protein forms V497F.
Identifiers: ClinVar variation 1393234 (VCV001393234.9), dbSNP rs767360120, ClinGen allele CA8365775.